The following is an entry in ClinVar:

ClinVar aggregate classification (germline): Uncertain significance (1 of 4 stars; one submission).

Allele frequency attached by ClinVar (database versions not stated): TOPMed 0.00001.

Submission:

Labcorp Genetics (formerly Invitae), Labcorp
Classification: Uncertain significance. Last evaluated: 2022-05-31. Review status: criteria provided, single submitter. Criteria: Invitae Variant Classification Sherloc (09022015). Collection method: clinical testing. Allele origin: germline.
Comment: This variant has not been reported in the literature in individuals affected with UNC119-related conditions. Algorithms developed to predict the effect of missense changes on protein structure and function are either unavailable or do not agree on the potential impact of this missense change (SIFT: "Not Available"; PolyPhen-2: "Probably Damaging"; Align-GVGD: "Not Available"). In summary, the available evidence is currently insufficient to determine the role of this variant in disease. Therefore, it has been classified as a Variant of Uncertain Significance. This sequence change replaces proline, which is neutral and non-polar, with serine, which is neutral and polar, at codon 240 of the UNC119 protein (p.Pro240Ser). This variant is not present in population databases (gnomAD no frequency).

NM_005148.4(UNC119):c.718C>T (p.Pro240Ser)

Gene: UNC119 (unc-119 lipid binding chaperone; minus strand). Cytogenetic location: 17q11.2.
Variant type: single nucleotide variant.
Coding change: c.718C>T on transcript NM_005148.4 (MANE Select); coding-DNA position 718, C replaced by T.
Protein change: p.Pro240Ser; replaces proline 240 with serine.
Molecular consequence: missense variant. On other transcripts: 3 prime UTR variant (1).
Genome position (GRCh38, 1-based): chr17:28,547,302, G>A on the plus strand (C>T on the coding strand, the complement: UNC119 is on the minus strand). VCF-style: chr17-28547302-G-A. GRCh37 (hg19) VCF-style: chr17-26874320-G-A.
Other names: c.433C>T, p.Pro145Ser (NM_001330166.2); c.*322C>T (NM_054035.2); short protein forms P145S, P240S.
Identifiers: ClinVar variation 1942987 (VCV001942987.5), dbSNP rs762890950, ClinGen allele CA398328007.
Genomic context (GRCh38, chr17:28,547,302, plus strand): 5'-GGTCACAGCTCCCAGCCCAGAACTGGAGCCTCCTGGGGTCAGGGCAGCCGTGGGGTCAGG[G>A]TGTCCCGCTGTAGGAATAGTCTGCTTTATTGTGCATCACCAGCCGGTCATCCACGAAGTA-3'
Protein context (NP_005139.1, residues 230-240): NKADYSYSGT[Pro240Ser]